The following is an entry in ClinVar:

NM_000208.4(INSR):c.*1432C>T

Gene: INSR (insulin receptor; minus strand). Cytogenetic location: 19p13.2.
Variant type: single nucleotide variant.
Coding change: c.*1432C>T on transcript NM_000208.4 (MANE Select); 1432 bases downstream of the stop codon, C replaced by T.
Molecular consequence: 3 prime UTR variant.
Genome position (GRCh38, 1-based): chr19:7,115,624, G>A on the plus strand (C>T on the coding strand, the complement: INSR is on the minus strand). VCF-style: chr19-7115624-G-A. GRCh37 (hg19) VCF-style: chr19-7115635-G-A.
Other names: c.*1432C>T (NM_001079817.3).
Identifiers: ClinVar variation 330405 (VCV000330405.5), dbSNP rs111557734, ClinGen allele CA10652851.

ClinVar aggregate classification (germline): Benign. Review status: criteria provided, single submitter (1 of 4 stars). 3 submissions from 1 submitter: Benign (3). Last evaluated 2018-01-13.

Conditions:
Rabson-Mendenhall syndrome. Also called: MENDENHALL SYNDROME; Pineal Hyperplasia, Insulin-Resistant Diabetes Mellitus, and Somatic Abnormalities; Pineal hyperplasia AND diabetes mellitus syndrome. Identifiers: Orphanet 769, MedGen C0271695, MONDO:0009874, OMIM 262190.
Leprechaunism syndrome. Also called: Donohue syndrome; LEPRECHAUNISM. Identifiers: Orphanet 508, MedGen C0265344, MONDO:0009517, OMIM 246200.
Insulin-resistant diabetes mellitus AND acanthosis nigricans. Also called: Insulin-resistance syndrome type A; INSULIN RECEPTOR, DEFECT IN, WITH INSULIN-RESISTANT DIABETES MELLITUS AND ACANTHOSIS NIGRICANS; IRAN, TYPE A; type A insulin resistance; DIABETES MELLITUS, INSULIN-RESISTANT, WITH ACANTHOSIS NIGRICANS, TYPE A. Identifiers: Orphanet 2297, MedGen C0342278, MONDO:0012520, OMIM 610549.

Allele frequency attached by ClinVar (database versions not stated): 1000 Genomes Project 0.01637; gnomAD 0.01728 and 0.01814; TOPMed 0.01789; 1000 Genomes Project 30x 0.01796; gnomAD exomes 0.02381.
gnomAD v4.1: 2,493 of 144,700 alleles (1.7%); highest among the groups gnomAD compares: African/African-American, 4%; 39 homozygotes.

Submissions (3):

Illumina Laboratory Services, Illumina
Classification: Benign for Leprechaunism syndrome. Last evaluated: 2018-01-13. Review status: criteria provided, single submitter. Criteria: ICSL Variant Classification Criteria 13 December 2019. Collection method: clinical testing. Allele origin: germline.
Comment: This variant was observed in the ICSL laboratory as part of a predisposition screen in an ostensibly healthy population. It had not been previously curated by ICSL or reported in the Human Gene Mutation Database (HGMD: prior to June 1st, 2018), and was therefore a candidate for classification through an automated scoring system. Utilizing variant allele frequency, disease prevalence and penetrance estimates, and inheritance mode, an automated score was calculated to assess if this variant is too frequent to cause the disease. Based on the score and internal cut-off values, a variant classified as benign is not then subjected to further curation. The score for this variant resulted in a classification of benign for this disease.

Illumina Laboratory Services, Illumina
Classification: Benign for Rabson-Mendenhall syndrome. Last evaluated: 2018-01-13. Review status: criteria provided, single submitter. Criteria: ICSL Variant Classification Criteria 13 December 2019. Collection method: clinical testing. Allele origin: germline.
Comment: the same text as in the submission from Illumina Laboratory Services, Illumina above.

Illumina Laboratory Services, Illumina
Classification: Benign for Insulin-resistant diabetes mellitus AND acanthosis nigricans. Last evaluated: 2018-01-13. Review status: criteria provided, single submitter. Criteria: ICSL Variant Classification Criteria 13 December 2019. Collection method: clinical testing. Allele origin: germline.
Comment: the same text as in the submission from Illumina Laboratory Services, Illumina above.